The following is an entry in ClinVar:

NM_001972.4(ELANE):c.578G>A (p.Arg193Gln)

Gene: ELANE (elastase, neutrophil expressed; plus strand). Cytogenetic location: 19p13.3.
Variant type: single nucleotide variant.
Coding change: c.578G>A on transcript NM_001972.4 (MANE Select); coding-DNA position 578, G replaced by A.
Protein change: p.Arg193Gln; replaces arginine 193 with glutamine.
Molecular consequence: missense variant.
Genome position (GRCh38, 1-based): chr19:855,775, G>A. VCF-style: chr19-855775-G-A. GRCh37 (hg19) VCF-style: chr19-855775-G-A.
Other names: c.578G>A (NM_001972.3, LRG_57t1); short protein forms R193Q.
Identifiers: ClinVar variation 242292 (VCV000242292.19), dbSNP rs199659114, ClinGen allele CA9026097.
Genomic context (GRCh38, chr19:855,775, plus strand): 5'-ACGTGACGGTGGTGACGTCCCTCTGCCGTCGCAGCAACGTCTGCACTCTCGTGAGGGGCC[G>A]GCAGGCCGGCGTCTGTTTCGTACGTGCCCTGGGTGTCCCTCTGCTCCCCACCCGCTCCCA-3'
Protein context (NP_001963.1, residues 183-203): RSNVCTLVRG[Arg193Gln]QAGVCFGDSG

ClinVar aggregate classification (germline): Conflicting classifications of pathogenicity. Review status: criteria provided, conflicting classifications (1 of 4 stars). 4 submissions from 4 submitters: Uncertain significance (2); Likely benign (2). Last evaluated 2026-04-07.

Conditions:
Cyclical neutropenia. Also called: Cyclic Neutropenia; Cyclic hematopoiesis. Identifiers: Orphanet 2686, MedGen C0221023, MONDO:0008090, OMIM 162800, HP:0040289. Disease mechanism: loss of function.
Neutropenia, severe congenital, 1, autosomal dominant. Identifiers: MedGen C1859966, MONDO:0042490, OMIM 202700.
ELANE-related disorder. Also called: ELANE-related condition.

Allele frequency attached by ClinVar (database versions not stated): gnomAD 0.00002; gnomAD exomes 0.00005 and 0.00018; TOPMed 0.00005; ExAC 0.00020.
gnomAD v4.1: 74 of 1,608,630 alleles (0.0046%); highest among the groups gnomAD compares: Admixed American, 0.058%; no homozygotes.

Submissions (4):

PreventionGenetics, part of Exact Sciences
Classification: Uncertain significance for ELANE-related condition. Last evaluated: 2026-04-07. Review status: criteria provided, single submitter. Criteria: ACMG Guidelines, 2015. Collection method: clinical testing. Allele origin: germline.
Comment: The ELANE c.578G>A variant is predicted to result in the amino acid substitution p.Arg193Gln. This variant was reported in an individual with congenital neutropenia (reported as Arg164Gly in Xia et al 2009. PubMed ID: 19775295). Multiple missense mutations in nearby residues (Val186Ile, Arg191Ser, Gly203Arg, Gly203Asp, Gly203Cys) have been reported in the Human Gene Mutation Database in association with ELANE-related neutropenia. This variant is reported in 0.10% of alleles in individuals of Latino descent in gnomAD, which is more common than expected to be a primary cause of disease. At this time, the clinical significance of this variant is uncertain due to the absence of conclusive functional and genetic evidence.

Labcorp Genetics (formerly Invitae), Labcorp
Classification: Likely benign for Neutropenia, severe congenital, 1, autosomal dominant; Cyclical neutropenia. Last evaluated: 2025-10-28. Review status: criteria provided, single submitter. Criteria: Invitae Variant Classification Sherloc (09022015). Collection method: clinical testing. Allele origin: germline.

Women's Health and Genetics/Laboratory Corporation of America, LabCorp
Classification: Likely benign. Last evaluated: 2025-01-15. Review status: criteria provided, single submitter. Criteria: LabCorp Variant Classification Summary - May 2015. Collection method: clinical testing. Allele origin: germline.
Comment: Variant summary: ELANE c.578G>A (p.Arg193Gln) results in a conservative amino acid change located in the Serine proteases, trypsin domain (IPR001254) of the encoded protein sequence. Four of five in-silico tools predict a benign effect of the variant on protein function. The variant allele was found at a frequency of 0.00018 in 244924 control chromosomes, predominantly at a frequency of 0.001 within the Latino subpopulation in the gnomAD database. The observed variant frequency within Latino control individuals in the gnomAD database is approximately 1600 fold of the estimated maximal expected allele frequency for a pathogenic variant in ELANE causing Neutropenia, severe congenital, 1, autosomal dominant phenotype (6.3e-07). c.578G>A has been reported in the literature in an screening study for Severe congenital neutropenia without clinical presentation and segregation data for the variant carrier (Xia_2009). These report(s) do not provide unequivocal conclusions about association of the variant with Neutropenia, severe congenital, 1, autosomal dominant. To our knowledge, no experimental evidence demonstrating an impact on protein function has been reported. The following publication have been ascertained in the context of this evaluation (PMID: 19775295). ClinVar contains an entry for this variant (Variation ID: 242292). Based on the evidence outlined above, the variant was classified as likely benign.

GeneDx
Classification: Uncertain significance. Last evaluated: 2016-12-29. Review status: criteria provided, single submitter. Criteria: GeneDx Variant Classification (06012015). Collection method: clinical testing. Allele origin: germline. Affected: yes.
Comment: The R193Q missense mutation in the ELANE gene has been reported previously in association with congenital neutropenia (Xia et al., 2009), and was not observed in approximately 6,500 individuals of European and African American ancestry in the NHLBI Exome Sequencing Project, indicating it is not a common benign variant in these populations. The R193Q variant is a semi-conservative amino acid substitution at a position that is conserved across mammalian species. Multiple missense mutations in nearby residues (V186I, R191S, G203R, G203D, G203C) have been reported in the Human Gene Mutation Database in association with ELANE-related neutropenia (Stenson et al., 2014), supporting the functional importance of this region of the protein.

Literature cited by the submitters: PubMed 19775295 (cited by Women's Health and Genetics/Laboratory Corporation of America, LabCorp).